The following is an entry in ClinVar:

NM_004415.4(DSP):c.7350G>A (p.Lys2450=)

Gene: DSP (desmoplakin; plus strand). Cytogenetic location: 6p24.3.
Variant type: single nucleotide variant.
Coding change: c.7350G>A on transcript NM_004415.4 (MANE Select); coding-DNA position 7350, G replaced by A.
Protein change: p.Lys2450=; no amino-acid change (lysine 2450 retained).
Molecular consequence: synonymous variant.
Genome position (GRCh38, 1-based): chr6:7,584,612, G>A. VCF-style: chr6-7584612-G-A. GRCh37 (hg19) VCF-style: chr6-7584845-G-A.
Other names: c.5553G>A, p.Lys1851= (NM_001008844.3); c.6021G>A, p.Lys2007= (NM_001319034.2).
Identifiers: ClinVar variation 3075196 (VCV003075196.1), dbSNP rs1561703628, ClinGen allele CA448716755.

ClinVar aggregate classification (germline): Likely benign (1 of 4 stars; one submission).

Conditions:
Arrhythmogenic cardiomyopathy with wooly hair and keratoderma. Also called: PALMOPLANTAR KERATODERMA WITH LEFT VENTRICULAR CARDIOMYOPATHY AND WOOLLY HAIR; Carvajal syndrome; Dilated cardiomyopathy with woolly hair and keratoderma; Arrhythmogenic cardiomyopathy with woolly hair and keratoderma. Identifiers: Orphanet 65282, MedGen C1854063, MONDO:0011581, OMIM 605676.

Submission:

All of Us Research Program, National Institutes of Health
Classification: Likely benign for Arrhythmogenic cardiomyopathy with wooly hair and keratoderma. Last evaluated: 2023-12-18. Review status: criteria provided, single submitter. Criteria: ACMG Guidelines, 2015. Collection method: clinical testing. Allele origin: germline. Inheritance: Autosomal dominant inheritance. Observed: 1 variant allele, 1 heterozygote.
Comment: This study involves interpretation of variants in research participants for the purpose of population health screening. Participant phenotype was not available at the time of variant classification. Additional details can be found in publication PMID: 35346344, PMCID: PMC8962531